The following is an entry in ClinVar:

ClinVar aggregate classification (germline): Conflicting classifications of pathogenicity. Review status: criteria provided, conflicting classifications (1 of 4 stars). 6 submissions from 6 submitters: Uncertain significance (3); Likely benign (2). 1 of the submissions does not count toward it. Last evaluated 2026-01-02.

Conditions:
Hereditary cancer-predisposing syndrome. Also called: Neoplastic Syndromes, Hereditary; Tumor predisposition; Hereditary Cancer Syndrome; Hereditary neoplastic syndrome. Identifiers: Orphanet 140162, MedGen C0027672, MeSH D009386, MONDO:0015356.
Familial cancer of breast. Also called: BREAST CANCER, FAMILIAL; Hereditary breast cancer; hereditary breast carcinoma. Identifiers: Orphanet 227535, MedGen C0346153, MONDO:0016419, OMIM 114480. Disease mechanism: loss of function.

gnomAD v4.1: 6 of 1,613,772 alleles (0.00037%); highest among the groups gnomAD compares: East Asian, 0.013%; no homozygotes.

Submissions (6):

Labcorp Genetics (formerly Invitae), Labcorp
Classification: Uncertain significance for Familial cancer of breast. Last evaluated: 2026-01-02. Review status: criteria provided, single submitter. Criteria: Invitae Variant Classification Sherloc (09022015). Collection method: clinical testing. Allele origin: germline.
Comment: This sequence change replaces histidine, which is basic and polar, with glutamine, which is neutral and polar, at codon 553 of the PALB2 protein (p.His553Gln). This variant is present in population databases (rs370318597, gnomAD 0.03%). This missense change has been observed in individual(s) with breast cancer and pancreatic cancer (PMID: 23977390, 35171259). ClinVar contains an entry for this variant (Variation ID: 188298). Invitae Evidence Modeling of protein sequence and biophysical properties (such as structural, functional, and spatial information, amino acid conservation, physicochemical variation, residue mobility, and thermodynamic stability) indicates that this missense variant is not expected to disrupt PALB2 protein function with a negative predictive value of 80%. In summary, the available evidence is currently insufficient to determine the role of this variant in disease. Therefore, it has been classified as a Variant of Uncertain Significance.

Molecular Pathology, Peter Maccallum Cancer Centre
Classification: Likely benign for Familial cancer of breast. Last evaluated: 2025-01-28. Review status: criteria provided, single submitter. Criteria: ACMG Guidelines, 2015. Collection method: clinical testing. Allele origin: germline. Inheritance: Autosomal dominant inheritance.

GeneDx
Classification: Uncertain significance. Last evaluated: 2023-05-30. Review status: criteria provided, single submitter. Criteria: GeneDx Variant Classification Process June 2021. Collection method: clinical testing. Allele origin: germline. Affected: yes.
Comment: In silico analysis supports that this missense variant does not alter protein structure/function; Observed in individuals with breast cancer (Phuah et al., 2013; Su et al., 2021); This variant is associated with the following publications: (PMID: 23977390, 34917121)

Ambry Genetics
Classification: Likely benign for Hereditary cancer-predisposing syndrome. Last evaluated: 2022-11-02. Review status: criteria provided, single submitter. Criteria: Ambry Variant Classification Scheme 2023. Collection method: clinical testing. Allele origin: germline.

Color Diagnostics, LLC DBA Color Health
Classification: Uncertain significance for Hereditary cancer-predisposing syndrome. Last evaluated: 2019-08-06. Review status: criteria provided, single submitter. Criteria: ACMG Guidelines, 2015. Collection method: clinical testing. Allele origin: germline.
Comment: This missense variant replaces histidine with glutamine at codon 553 of the PALB2 protein. Computational prediction tools and conservation analyses suggest that this variant may not impact the protein function. Computational splicing tools suggest that this variant may not impact RNA splicing. To our knowledge, functional assays have not been performed for this variant. This variant has been reported in individuals affected with breast cancer (PMID: 23977390). This variant has also been identified in 6/251096 chromosomes in the general population by the Genome Aggregation Database (gnomAD). Available evidence is insufficient to determine the role of this variant in disease conclusively. Therefore, this variant is classified as a Variant of Uncertain Significance.

Leiden Open Variation Database
Classification: Uncertain significance for Familial cancer of breast. Last evaluated: 2019-05-13. Review status: no assertion criteria provided. Collection method: curation. Allele origin: germline. Affected: yes. Not counted in ClinVar's aggregate classification.
Comment: Curators: Marc Tischkowitz, Arleen D. Auerbach. Submitter to LOVD: Marc Tischkowitz.

Literature cited by the submitters: PubMed 23977390 (cited by 3 submitters); PubMed 35171259 (cited by Labcorp Genetics (formerly Invitae), Labcorp); PubMed 34917121 (cited by Ambry Genetics).

NM_024675.4(PALB2):c.1659C>A (p.His553Gln)

Gene: PALB2 (partner and localizer of BRCA2; minus strand). Cytogenetic location: 16p12.2.
Variant type: single nucleotide variant.
Coding change: c.1659C>A on transcript NM_024675.4 (MANE Select); coding-DNA position 1659, C replaced by A.
Protein change: p.His553Gln; replaces histidine 553 with glutamine.
Molecular consequence: missense variant.
Genome position (GRCh38, 1-based): chr16:23,634,887, G>T on the plus strand (C>A on the coding strand, the complement: PALB2 is on the minus strand). VCF-style: chr16-23634887-G-T. GRCh37 (hg19) VCF-style: chr16-23646208-G-T.
Other names: short protein forms H553Q.
Identifiers: ClinVar variation 188298 (VCV000188298.22), dbSNP rs370318597, ClinGen allele CA334554.